The following is an entry in ClinVar:

NM_003924.4(PHOX2B):c.141A>G (p.Ile47Met)

Genes: PHOX2B-AS1 (PHOX2B antisense RNA 1; plus strand), PHOX2B (paired like homeobox 2B; minus strand). Cytogenetic location: 4p13.
Variant type: single nucleotide variant.
Coding change: c.141A>G on transcript NM_003924.4 (MANE Select); coding-DNA position 141, A replaced by G.
Protein change: p.Ile47Met; replaces isoleucine 47 with methionine.
Molecular consequence: missense variant.
Genome position (GRCh38, 1-based): chr4:41,748,470, T>C on the plus strand (A>G on the coding strand, the complement: PHOX2B is on the minus strand). VCF-style: chr4-41748470-T-C. GRCh37 (hg19) VCF-style: chr4-41750487-T-C.
Other names: short protein forms I47M.
Identifiers: ClinVar variation 819152 (VCV000819152.11), dbSNP rs1577561264, ClinGen allele CA356740990.

ClinVar aggregate classification (germline): Uncertain significance. Review status: criteria provided, multiple submitters, no conflicts (2 of 4 stars). 2 submissions from 2 submitters: Uncertain significance (2). Last evaluated 2025-03-17.

Conditions:
Hereditary cancer-predisposing syndrome. Also called: Tumor predisposition; Hereditary neoplastic syndrome; Neoplastic Syndromes, Hereditary; Hereditary Cancer Syndrome. Identifiers: Orphanet 140162, MedGen C0027672, MeSH D009386, MONDO:0015356.
Haddad syndrome (OHD). Also called: Ondine-Hirschsprung disease. Identifiers: Orphanet 99803, MedGen C1859049, MONDO:0020493.

Submissions (2):

Ambry Genetics
Classification: Uncertain significance for Hereditary cancer-predisposing syndrome. Last evaluated: 2025-03-17. Review status: criteria provided, single submitter. Criteria: Ambry Variant Classification Scheme 2023. Collection method: clinical testing. Allele origin: germline.
Comment: The p.I47M variant (also known as c.141A>G), located in coding exon 1 of the PHOX2B gene, results from an A to G substitution at nucleotide position 141. The isoleucine at codon 47 is replaced by methionine, an amino acid with highly similar properties. This amino acid position is highly conserved in available vertebrate species. In addition, this alteration is predicted to be deleterious by in silico analysis. Based on the available evidence, the clinical significance of this variant remains unclear.

Labcorp Genetics (formerly Invitae), Labcorp
Classification: Uncertain significance for Haddad syndrome. Last evaluated: 2023-03-16. Review status: criteria provided, single submitter. Criteria: Invitae Variant Classification Sherloc (09022015). Collection method: clinical testing. Allele origin: germline.
Comment: In summary, the available evidence is currently insufficient to determine the role of this variant in disease. Therefore, it has been classified as a Variant of Uncertain Significance. Advanced modeling of protein sequence and biophysical properties (such as structural, functional, and spatial information, amino acid conservation, physicochemical variation, residue mobility, and thermodynamic stability) performed at Invitae indicates that this missense variant is not expected to disrupt PHOX2B protein function. This variant has not been reported in the literature in individuals affected with PHOX2B-related conditions. This variant is not present in population databases (gnomAD no frequency). This sequence change replaces isoleucine, which is neutral and non-polar, with methionine, which is neutral and non-polar, at codon 47 of the PHOX2B protein (p.Ile47Met). ClinVar contains an entry for this variant (Variation ID: 819152).